The following is an entry in ClinVar:

NM_032737.4(LMNB2):c.260G>A (p.Arg87His)

Genes: LMNB2 (lamin B2; minus strand), LOC130063065 (ATAC-STARR-seq lymphoblastoid silent region 9791; plus strand). Cytogenetic location: 19p13.3.
Variant type: single nucleotide variant.
Coding change: c.260G>A on transcript NM_032737.4 (MANE Select); coding-DNA position 260, G replaced by A.
Protein change: p.Arg87His; replaces arginine 87 with histidine.
Molecular consequence: missense variant.
Genome position (GRCh38, 1-based): chr19:2,456,674, C>T on the plus strand (G>A on the coding strand, the complement: LMNB2 is on the minus strand). VCF-style: chr19-2456674-C-T. GRCh37 (hg19) VCF-style: chr19-2456672-C-T.
Other names: short protein forms R87H.
Identifiers: ClinVar variation 2149575 (VCV002149575.4), dbSNP rs559976546, ClinGen allele CA9067975.

ClinVar aggregate classification (germline): Uncertain significance (1 of 4 stars; one submission).

Conditions:
Progressive myoclonic epilepsy type 9. Identifiers: Orphanet 457265, MedGen C4225289, MONDO:0014685, OMIM 616540.
Lipodystrophy, partial, acquired, susceptibility to (APLD). Also called: APLD, SUSCEPTIBILITY TO. Identifiers: MedGen C3887501, MONDO:0100476, OMIM 608709.

Allele frequency attached by ClinVar (database versions not stated): gnomAD exomes below 0.00001; gnomAD 0.00002; TOPMed 0.00002; ExAC 0.00005; 1000 Genomes Project 30x 0.00016; 1000 Genomes Project 0.00020.
gnomAD v4.1: 5 of 1,537,674 alleles (0.00033%); highest among the groups gnomAD compares: African/African-American, 0.0057%; no homozygotes.

Submission:

Labcorp Genetics (formerly Invitae), Labcorp
Classification: Uncertain significance for Progressive myoclonic epilepsy type 9; Lipodystrophy, partial, acquired, susceptibility to. Last evaluated: 2024-03-04. Review status: criteria provided, single submitter. Criteria: Invitae Variant Classification Sherloc (09022015). Collection method: clinical testing. Allele origin: germline.
Comment: This sequence change replaces arginine, which is basic and polar, with histidine, which is basic and polar, at codon 87 of the LMNB2 protein (p.Arg87His). The frequency data for this variant in the population databases is considered unreliable, as metrics indicate poor data quality at this position in the gnomAD database. This variant has not been reported in the literature in individuals affected with LMNB2-related conditions. ClinVar contains an entry for this variant (Variation ID: 2149575). Advanced modeling of protein sequence and biophysical properties (such as structural, functional, and spatial information, amino acid conservation, physicochemical variation, residue mobility, and thermodynamic stability) has been performed at Invitae for this missense variant, however the output from this modeling did not meet the statistical confidence thresholds required to predict the impact of this variant on LMNB2 protein function. In summary, the available evidence is currently insufficient to determine the role of this variant in disease. Therefore, it has been classified as a Variant of Uncertain Significance.